The following is an entry in ClinVar:

ClinVar aggregate classification (germline): Uncertain significance (1 of 4 stars; one submission).

Conditions:
Intellectual developmental disorder, autosomal dominant 6, with or without seizures. Also called: GRIN2B-related developmental delay, intellectual disability and autism spectrum disorder; Intellectual disability, autosomal dominant 6. Identifiers: Orphanet 589547, MedGen C3151411, MONDO:0013509, OMIM 613970.
Developmental and epileptic encephalopathy, 27 (DEE27). Also called: GRIN2B-Related Neurodevelopmental Disorder; Epileptic encephalopathy, early infantile, 27. Identifiers: Orphanet 3451, MedGen C4015316, MONDO:0014505, OMIM 616139.

Allele frequency attached by ClinVar (database versions not stated): gnomAD exomes below 0.00001.
gnomAD v4.1: 2 of 1,614,184 alleles (0.00012%); highest among the groups gnomAD compares: South Asian, 0.0011%; no homozygotes.

Submission:

New York Genome Center
Classification: Uncertain significance for Developmental and epileptic encephalopathy, 27; Intellectual developmental disorder, autosomal dominant 6, with or without seizures. Last evaluated: 2021-06-25. Review status: criteria provided, single submitter. Criteria: NYGC Assertion Criteria 2020. Collection method: clinical testing. Allele origin: inherited. Observed: 1 heterozygote. Study: CSER-NYCKidSeq.
Comment: The inherited c.4406G>A, p.Ser1469Asn variant identified in the GRIN2B gene has not been reported in the literature in individuals with GRIN2B-related neurodevelopmental disorders. This variant is absent in gnomAD v3.1.1, suggesting it is not a common benign variant in the populations represented in this database. In silico algorithms predict a conflicting interpretation of pathogenicity. The variant resides at N-methyl D-aspartate receptor 2B3 C-terminus domainof the GluN2B protein. This domain is found at the C-terminus of many NMDA-receptor proteins (PMID:8428958). Given the lack of compelling evidence for its pathogenicity, the inherited c.4406G>A, p.Ser1469Asn variant identified in the GRIN2B gene is reported as a Variant of UncertainSignificance.

NM_000834.5(GRIN2B):c.4406G>A (p.Ser1469Asn)

Gene: GRIN2B (glutamate ionotropic receptor NMDA type subunit 2B; minus strand). Cytogenetic location: 12p13.1.
Variant type: single nucleotide variant.
Coding change: c.4406G>A on transcript NM_000834.5 (MANE Select); coding-DNA position 4406, G replaced by A.
Protein change: p.Ser1469Asn; replaces serine 1469 with asparagine.
Molecular consequence: missense variant.
Genome position (GRCh38, 1-based): chr12:13,562,832, C>T on the plus strand (G>A on the coding strand, the complement: GRIN2B is on the minus strand). VCF-style: chr12-13562832-C-T. GRCh37 (hg19) VCF-style: chr12-13715766-C-T.
Other names: short protein forms S1469N.
Identifiers: ClinVar variation 1679591 (VCV001679591.2), dbSNP rs202133231, ClinGen allele CA233132478.
Genomic context (GRCh38, chr12:13,562,832, plus strand): 5'-TGTTCCCTCACTCAGACATCAGACTCAATACTAGAAAGTTTCTCATAAACATGCCCATTG[C>T]TGGAGCCATTGAAAGCCCTGGGGTTTTTGTTGTTAGGCACACAGGGGTTGGACTGGTTCC-3'
Protein context (NP_000825.2, residues 1459-1479): NKNPRAFNGS[Ser1469Asn]NGHVYEKLSS